The following is an entry in ClinVar:

NM_152296.5(ATP1A3):c.730G>T (p.Ala244Ser)

Gene: ATP1A3 (ATPase Na+/K+ transporting subunit alpha 3; minus strand). Cytogenetic location: 19q13.2.
Variant type: single nucleotide variant.
Coding change: c.730G>T on transcript NM_152296.5 (MANE Select); coding-DNA position 730, G replaced by T.
Protein change: p.Ala244Ser; replaces alanine 244 with serine.
Molecular consequence: missense variant.
Genome position (GRCh38, 1-based): chr19:41,985,181, C>A on the plus strand (G>T on the coding strand, the complement: ATP1A3 is on the minus strand). VCF-style: chr19-41985181-C-A. GRCh37 (hg19) VCF-style: chr19-42489333-C-A.
Other names: c.763G>T, p.Ala255Ser (NM_001256213.2); c.769G>T, p.Ala257Ser (NM_001256214.2); short protein forms A244S, A255S, A257S.
Identifiers: ClinVar variation 3343061 (VCV003343061.1).
Genomic context (GRCh38, chr19:41,985,181, plus strand): 5'-CCAGGGTGGCGATACGGCCCATGACAGTGCGGTCGCCCGTGGCCACCACCACGCCCCGAG[C>A]CGTGCCTGCAGGCCAGAGGGGTTAGGCTGAGGTGGGGTGGCTCAGGGAGGTTCTGGAGGC-3'
Protein context (NP_689509.1, residues 234-254): FFSTNCVEGT[Ala244Ser]RGVVVATGDR

ClinVar aggregate classification (germline): Uncertain significance (1 of 4 stars; one submission).

Submission:

GeneDx
Classification: Uncertain significance. Last evaluated: 2024-02-13. Review status: criteria provided, single submitter. Criteria: GeneDx Variant Classification Process June 2021. Collection method: clinical testing. Allele origin: germline. Affected: yes.
Comment: Not observed at significant frequency in large population cohorts (gnomAD); In silico analysis supports that this missense variant does not alter protein structure/function; Has not been previously published as pathogenic or benign to our knowledge